The following is an entry in ClinVar:

ClinVar aggregate classification (germline): Likely benign (1 of 4 stars; one submission).

Submission:

CeGaT Center for Human Genetics Tuebingen
Classification: Likely benign. Last evaluated: 2022-11-01. Review status: criteria provided, single submitter. Criteria: CeGaT Center For Human Genetics Tuebingen Variant Classification Criteria Version 2. Collection method: clinical testing. Allele origin: germline. Affected: yes. Observed: 1 variant allele.
Comment: MLLT3: PM2:Supporting, BP4, BP7

NM_004529.4(MLLT3):c.456C>T (p.Ser152=)

Gene: MLLT3 (MLLT3 super elongation complex subunit; minus strand). Cytogenetic location: 9p21.3.
Variant type: single nucleotide variant.
Coding change: c.456C>T on transcript NM_004529.4 (MANE Select); coding-DNA position 456, C replaced by T.
Protein change: p.Ser152=; no amino-acid change (serine 152 retained).
Molecular consequence: synonymous variant.
Genome position (GRCh38, 1-based): chr9:20,414,390, G>A on the plus strand (C>T on the coding strand, the complement: MLLT3 is on the minus strand). VCF-style: chr9-20414390-G-A. GRCh37 (hg19) VCF-style: chr9-20414388-G-A.
Other names: c.447C>T, p.Ser149= (NM_001286691.2).
Identifiers: ClinVar variation 2659111 (VCV002659111.24), dbSNP rs1391295058, ClinGen allele CA464263054.